The following is an entry in ClinVar:

ClinVar aggregate classification (germline): Uncertain significance (1 of 4 stars; one submission).

Allele frequency attached by ClinVar (database versions not stated): ExAC 0.00002.
gnomAD v4.1: 14 of 1,613,870 alleles (0.00087%); highest among the groups gnomAD compares: South Asian, 0.015%; no homozygotes.

Submission:

Labcorp Genetics (formerly Invitae), Labcorp
Classification: Uncertain significance. Last evaluated: 2022-08-10. Review status: criteria provided, single submitter. Criteria: Invitae Variant Classification Sherloc (09022015). Collection method: clinical testing. Allele origin: germline.
Comment: In summary, the available evidence is currently insufficient to determine the role of this variant in disease. Therefore, it has been classified as a Variant of Uncertain Significance. Algorithms developed to predict the effect of missense changes on protein structure and function are either unavailable or do not agree on the potential impact of this missense change (SIFT: "Deleterious"; PolyPhen-2: "Possibly Damaging"; Align-GVGD: "Class C0"). This variant has not been reported in the literature in individuals affected with ANXA11-related conditions. This variant is present in population databases (rs779282732, gnomAD 0.02%). This sequence change replaces isoleucine, which is neutral and non-polar, with methionine, which is neutral and non-polar, at codon 455 of the ANXA11 protein (p.Ile455Met).

NM_145868.2(ANXA11):c.1365T>G (p.Ile455Met)

Gene: ANXA11 (annexin A11; minus strand). Cytogenetic location: 10q22.3.
Variant type: single nucleotide variant.
Coding change: c.1365T>G on transcript NM_145868.2 (MANE Select); coding-DNA position 1365, T replaced by G.
Protein change: p.Ile455Met; replaces isoleucine 455 with methionine.
Molecular consequence: missense variant.
Genome position (GRCh38, 1-based): chr10:80,157,734, A>C on the plus strand (T>G on the coding strand, the complement: ANXA11 is on the minus strand). VCF-style: chr10-80157734-A-C. GRCh37 (hg19) VCF-style: chr10-81917490-A-C.
Other names: c.1365T>G, p.Ile455Met (NM_001157.3, NM_001278407.2, NM_001278408.2 and 1 more transcripts); c.1266T>G, p.Ile422Met (NM_001278409.2); short protein forms I422M, I455M.
Identifiers: ClinVar variation 1977900 (VCV001977900.5), dbSNP rs779282732, ClinGen allele CA5575783.